The following is an entry in ClinVar:

NM_001267550.2(TTN):c.45725G>A (p.Arg15242Lys)

Gene: TTN (titin; minus strand). Cytogenetic location: 2q31.2.
Variant type: single nucleotide variant.
Coding change: c.45725G>A on transcript NM_001267550.2 (MANE Select); coding-DNA position 45725, G replaced by A.
Protein change: p.Arg15242Lys; replaces arginine 15242 with lysine.
Molecular consequence: missense variant.
Genome position (GRCh38, 1-based): chr2:178,620,885, C>T on the plus strand (G>A on the coding strand, the complement: TTN is on the minus strand). VCF-style: chr2-178620885-C-T. GRCh37 (hg19) VCF-style: chr2-179485612-C-T.
Other names: p.R13601K:AGA>AAA; c.40802G>A, p.Arg13601Lys (NM_001256850.1); c.18530G>A, p.Arg6177Lys (NM_003319.4); c.38021G>A, p.Arg12674Lys (NM_133378.4); c.18905G>A, p.Arg6302Lys (NM_133432.3); c.19106G>A, p.Arg6369Lys (NM_133437.4); short protein forms R13601K, R15242K, R6369K, R12674K, R6177K, R6302K.
Identifiers: ClinVar variation 202646 (VCV000202646.7), dbSNP rs140795503, ClinGen allele CA309856.

ClinVar aggregate classification (germline): Uncertain significance. Review status: criteria provided, multiple submitters, no conflicts (2 of 4 stars). 4 submissions from 4 submitters: Uncertain significance (4). Last evaluated 2021-11-16.

Conditions:
Cardiovascular phenotype. Identifiers: MedGen CN230736.
Dilated cardiomyopathy 1G (CMD1G). Identifiers: Orphanet 154, MedGen C1858763, MONDO:0011400, OMIM 604145.
Autosomal recessive limb-girdle muscular dystrophy type 2J (LGMDR10). Also called: MUSCULAR DYSTROPHY, LIMB-GIRDLE, AUTOSOMAL RECESSIVE 10; Limb-girdle muscular dystrophy, type 2J. Identifiers: Orphanet 140922, MedGen C1837342, MONDO:0012127, OMIM 608807.
Myopathy, myofibrillar, 9, with early respiratory failure (MFM9). Also called: EDSTROM MYOPATHY; MYOPATHY, PROXIMAL, WITH EARLY RESPIRATORY MUSCLE INVOLVEMENT; Myopathy, distal, with early respiratory failure, autosomal dominant; Hereditary myopathy with early respiratory failure. Identifiers: Orphanet 178464, Orphanet 34521, MedGen C1863599, MONDO:0011362, OMIM 603689.
Early-onset myopathy with fatal cardiomyopathy (CMYO5). Also called: CONGENITAL MYOPATHY 5 WITH CARDIOMYOPATHY; Salih Myopathy. Identifiers: Orphanet 289377, MedGen C2673677, MONDO:0012714, OMIM 611705. Disease mechanism: loss of function.
Hypertrophic cardiomyopathy 9. Also called: Familial hypertrophic cardiomyopathy 9. Identifiers: MedGen C1861065, MONDO:0013412, OMIM 613765.
Tibial muscular dystrophy (TMD). Also called: UDD MYOPATHY; Tibial muscular dystrophy, tardive; Udd Distal Myopathy – Tibial Muscular Dystrophy. Identifiers: Orphanet 609, MedGen C1838244, MONDO:0010870, OMIM 600334.

Allele frequency attached by ClinVar (database versions not stated): gnomAD 0.00002 and 0.00003; TOPMed 0.00004; gnomAD exomes 0.00007 and 0.00010; ExAC 0.00009; 1000 Genomes Project 30x 0.00016; 1000 Genomes Project 0.00020.

Submissions (4):

Fulgent Genetics
Classification: Uncertain significance for Tibial muscular dystrophy; Myopathy, myofibrillar, 9, with early respiratory failure; Dilated cardiomyopathy 1G; Autosomal recessive limb-girdle muscular dystrophy type 2J; Early-onset myopathy with fatal cardiomyopathy; Hypertrophic cardiomyopathy 9. Last evaluated: 2021-11-16. Review status: criteria provided, single submitter. Criteria: ACMG Guidelines, 2015. Collection method: clinical testing. Allele origin: unknown.

Ambry Genetics
Classification: Uncertain significance for Cardiovascular phenotype. Last evaluated: 2017-12-22. Review status: criteria provided, single submitter. Criteria: Ambry Variant Classification Scheme 2023. Collection method: clinical testing. Allele origin: germline.
Comment: The p.R6177K variant (also known as c.18530G>A), located in coding exon 74 of the TTN gene, results from a G to A substitution at nucleotide position 18530. The arginine at codon 6177 is replaced by lysine, an amino acid with highly similar properties. This amino acid position is not well conserved in available vertebrate species, and lysine is the reference amino acid in other vertebrate species. In addition, this alteration is predicted to be benign and unknown by PolyPhen and SIFT in silico analyses, respectively. Since supporting evidence is limited at this time, the clinical significance of this alteration remains unclear.

Labcorp Genetics (formerly Invitae), Labcorp
Classification: Uncertain significance for Dilated cardiomyopathy 1G; Autosomal recessive limb-girdle muscular dystrophy type 2J. Last evaluated: 2016-06-20. Review status: criteria provided, single submitter. Criteria: Invitae Variant Classification Sherloc (09022015). Collection method: clinical testing. Allele origin: germline.

GeneDx
Classification: Uncertain significance. Last evaluated: 2013-02-27. Review status: criteria provided, single submitter. Criteria: GeneDx Variant Classification (06012015). Collection method: clinical testing. Allele origin: germline. Affected: yes.
Comment: Missense variants in the TTN gene are considered 'unclassified' if they are not previously reported in the literature and do not have >1% frequency in the population to be considered a polymorphism. Research indicates that truncating mutations in the TTN gene are expected to account for approximately 25% of familial and 18% of sporadic idiopathic DCM; however, truncating variants in the TTN gene have been reported in approximately 3% of reported control alleles. There has been little investigation into non-truncating variants. (Herman D et al. Truncations of titin causing dilated cardiomyopathy. N Eng J Med 366:619-628, 2012) The variant is found in DCM panel(s).